The following is an entry in ClinVar:

ClinVar aggregate classification (germline): Uncertain significance (1 of 4 stars; one submission).

Conditions:
DNMT3A-related disorder. Also called: DNMT3A-related condition; DNMT3A-related disorders.

gnomAD v4.1: 33 of 1,533,466 alleles (0.0022%); highest among the groups gnomAD compares: Non-Finnish European, 0.0029%; no homozygotes.

Submission:

PreventionGenetics, part of Exact Sciences
Classification: Uncertain significance for DNMT3A-related condition. Last evaluated: 2025-12-16. Review status: criteria provided, single submitter. Criteria: ACMG Guidelines, 2015. Collection method: clinical testing. Allele origin: germline.
Comment: The DNMT3A c.194C>A variant is predicted to result in the amino acid substitution p.Thr65Lys. To our knowledge, this variant has not been reported in the literature. This variant is reported in 0.0019% of alleles in individuals of European (Non-Finnish) descent in gnomAD. At this time, the clinical significance of this variant is uncertain due to the absence of conclusive functional and genetic evidence.

NM_022552.5(DNMT3A):c.194C>A (p.Thr65Lys)

Gene: DNMT3A (DNA methyltransferase 3 alpha; minus strand). Cytogenetic location: 2p23.3.
Variant type: single nucleotide variant.
Coding change: c.194C>A on transcript NM_022552.5 (MANE Select); coding-DNA position 194, C replaced by A.
Protein change: p.Thr65Lys; replaces threonine 65 with lysine.
Molecular consequence: missense variant. On other transcripts: non-coding transcript variant (1).
Genome position (GRCh38, 1-based): chr2:25,282,695, G>T on the plus strand (C>A on the coding strand, the complement: DNMT3A is on the minus strand). VCF-style: chr2-25282695-G-T. GRCh37 (hg19) VCF-style: chr2-25505564-G-T.
Other names: c.194C>A, p.Thr65Lys (NM_001320892.2, NM_175629.2, NM_175630.1); short protein forms T65K.
Identifiers: ClinVar variation 4986837 (VCV004986837.1).